The following is an entry in ClinVar:

ClinVar aggregate classification (germline): Uncertain significance (1 of 4 stars; one submission).

Conditions:
Predisposition to invasive fungal disease due to CARD9 deficiency (IMD103). Also called: Candidiasis, familial, 2, autosomal recessive; IMMUNODEFICIENCY 103, SUSCEPTIBILITY TO FUNGAL INFECTIONS; CARD9 IMMUNODEFICIENCY. Identifiers: Orphanet 457088, MedGen C1859353, MONDO:0008905, OMIM 212050.

Submission:

Labcorp Genetics (formerly Invitae), Labcorp
Classification: Uncertain significance for Predisposition to invasive fungal disease due to CARD9 deficiency. Last evaluated: 2021-06-19. Review status: criteria provided, single submitter. Criteria: Invitae Variant Classification Sherloc (09022015). Collection method: clinical testing. Allele origin: germline.
Comment: In summary, the available evidence is currently insufficient to determine the role of this variant in disease. Therefore, it has been classified as a Variant of Uncertain Significance. Experimental studies and prediction algorithms are not available or were not evaluated, and the functional significance of this variant is currently unknown. This variant has not been reported in the literature in individuals with CARD9-related conditions. This variant is not present in population databases (ExAC no frequency). This variant, c.1055_1057del, results in the deletion of 1 amino acid(s) of the CARD9 protein (p.Glu352del), but otherwise preserves the integrity of the reading frame.

NM_052813.5(CARD9):c.1052AGG[1] (p.Glu352del)

Gene: CARD9 (caspase recruitment domain family member 9; minus strand). Cytogenetic location: 9q34.3.
Variant type: Microsatellite.
Coding change: c.1052AGG[1] on transcript NM_052813.5 (MANE Select); one copy of the 3-base unit AGG starting at c.1052; the reference has two copies in a row; one copy, 3 bases deleted.
Protein change: p.Glu352del; deletes glutamic acid 352.
Molecular consequence: inframe deletion.
Genome position (GRCh38, 1-based): chr9:136,369,770-136,369,772, CCT deleted on the plus strand (AGG on the coding strand, the reverse complement: CARD9 is on the minus strand); deleting any 3 consecutive bases within chr9:136,369,770-136,369,777 gives the same sequence; the position shown is the placement nearest the transcript's 3' end. VCF-style (leftmost placement, unchanged base first): chr9-136369769-ACCT-A. GRCh37 (hg19) VCF-style: chr9-139264221-ACCT-A.
Other names: c.1052AGG[1], p.Glu352del (NM_052814.4); short protein forms E352del.
Identifiers: ClinVar variation 1499983 (VCV001499983.8), dbSNP rs2131441744, ClinGen allele CA2580617152.
Genomic context (GRCh38, chr9:136,369,769, plus strand): 5'-CCGCGAGTGGGGTGCTTTGTCCTGCCCCTGCGAGTGCCCACCTGGTCCCGCTCAATGGCG[ACCT>A]CCTCCATCTGCAGCAGGATGGCCTCGATGCGGTCCTTGTACATCTTGGAGTCCTTACGTA-3'